The following is an entry in ClinVar:

NM_005159.5(ACTC1):c.778C>T (p.Pro260Ser)

Genes: ACTC1 (actin alpha cardiac muscle 1; minus strand), GJD2-DT (GJD2 divergent transcript; plus strand). Cytogenetic location: 15q14.
Variant type: single nucleotide variant.
Coding change: c.778C>T on transcript NM_005159.5 (MANE Select); coding-DNA position 778, C replaced by T.
Protein change: p.Pro260Ser; replaces proline 260 with serine.
Molecular consequence: missense variant.
Genome position (GRCh38, 1-based): chr15:34,792,120, G>A on the plus strand (C>T on the coding strand, the complement: ACTC1 is on the minus strand). VCF-style: chr15-34792120-G-A. GRCh37 (hg19) VCF-style: chr15-35084321-G-A.
Other names: c.778C>T, p.Pro260Ser (NM_001406482.1, NM_001406483.1); c.643C>T, p.Pro215Ser (NM_001406484.1); c.337C>T, p.Pro113Ser (NM_001406485.1); short protein forms P260S, P113S, P215S.
Identifiers: ClinVar variation 2562965 (VCV002562965.3), dbSNP rs2504179867, ClinGen allele CA391629752.

ClinVar aggregate classification (germline): Uncertain significance. Review status: criteria provided, multiple submitters, no conflicts (2 of 4 stars). 2 submissions from 2 submitters: Uncertain significance (2). Last evaluated 2026-04-23.

Conditions:
Cardiovascular phenotype. Identifiers: MedGen CN230736.

Submissions (2):

GeneDx
Classification: Uncertain significance. Last evaluated: 2026-04-23. Review status: criteria provided, single submitter. Criteria: GeneDx Variant Classification Process June 2021. Collection method: clinical testing. Allele origin: germline.
Comment: Not observed at significant frequency in large population cohorts (gnomAD); In silico analysis supports that this missense variant has a deleterious effect on protein structure/function; Has not been previously published as pathogenic or benign to our knowledge

Ambry Genetics
Classification: Uncertain significance for Cardiovascular phenotype. Last evaluated: 2023-05-27. Review status: criteria provided, single submitter. Criteria: Ambry Variant Classification Scheme 2023. Collection method: clinical testing. Allele origin: germline.
Comment: The p.P260S variant (also known as c.778C>T), located in coding exon 4 of the ACTC1 gene, results from a C to T substitution at nucleotide position 778. The proline at codon 260 is replaced by serine, an amino acid with similar properties. This amino acid position is conserved. In addition, this alteration is predicted to be deleterious by in silico analysis. Since supporting evidence is limited at this time, the clinical significance of this alteration remains unclear.